The following is an entry in ClinVar:

NM_024675.4(PALB2):c.2921A>G (p.Lys974Arg)

Gene: PALB2 (partner and localizer of BRCA2; minus strand). Cytogenetic location: 16p12.2.
Variant type: single nucleotide variant.
Coding change: c.2921A>G on transcript NM_024675.4 (MANE Select); coding-DNA position 2921, A replaced by G.
Protein change: p.Lys974Arg; replaces lysine 974 with arginine.
Molecular consequence: missense variant. On other transcripts: intron variant (1).
Genome position (GRCh38, 1-based): chr16:23,623,044, T>C on the plus strand (A>G on the coding strand, the complement: PALB2 is on the minus strand). VCF-style: chr16-23623044-T-C. GRCh37 (hg19) VCF-style: chr16-23634365-T-C.
Other names: c.2861A>G, p.Lys954Arg (NM_001407296.1); c.2849A>G, p.Lys950Arg (NM_001407297.1); c.2759A>G, p.Lys920Arg (NM_001407298.1, NM_001407302.1); c.2921A>G, p.Lys974Arg (NM_001407299.1, NM_001407301.1); c.2036A>G, p.Lys679Arg (NM_001407304.1, NM_001407305.1, NM_001407306.1 and 4 more transcripts); c.1874A>G, p.Lys625Arg (NM_001407307.1); c.1133A>G, p.Lys378Arg (NM_001407312.1, NM_001407313.1); c.455A>G, p.Lys152Arg (NM_001407314.1); and 1 more; short protein forms K152R, K378R, K625R, K679R, K920R, K950R, K954R, K974R.
Identifiers: ClinVar variation 4759157 (VCV004759157.1).

ClinVar aggregate classification (germline): Uncertain significance (1 of 4 stars; one submission).

Conditions:
Hereditary cancer-predisposing syndrome. Also called: Neoplastic Syndromes, Hereditary; Hereditary neoplastic syndrome; Tumor predisposition; Hereditary Cancer Syndrome. Identifiers: Orphanet 140162, MedGen C0027672, MeSH D009386, MONDO:0015356.

Submission:

Color Diagnostics, LLC DBA Color Health
Classification: Uncertain significance for Hereditary cancer-predisposing syndrome. Last evaluated: 2025-11-17. Review status: criteria provided, single submitter. Criteria: ACMG Guidelines, 2015. Collection method: clinical testing. Allele origin: germline.
Comment: This missense variant replaces lysine with arginine at codon 974 of the PALB2 protein. Computational prediction suggests that this variant may not impact protein structure and function. To our knowledge, functional studies have not been reported for this variant. This variant has not been reported in individuals affected with PALB2-related disorders in the literature. This variant has not been identified in the general population by the Genome Aggregation Database (gnomAD). The available evidence is insufficient to determine the role of this variant in disease conclusively. Therefore, this variant is classified as a Variant of Uncertain Significance.